The following is an entry in ClinVar:

NM_003072.5(SMARCA4):c.671_696del (p.Ser224fs)

Gene: SMARCA4 (SWI/SNF related BAF chromatin remodeling complex subunit ATPase 4; plus strand). Cytogenetic location: 19p13.2.
Variant type: Deletion.
Coding change: c.671_696del on transcript NM_003072.5 (MANE Select); coding-DNA positions 671 to 696, 26 bases deleted (CGGTGTCCGCAACAGGACCCGGCCCT).
Protein change: p.Ser224fs; shifts the reading frame from serine 224.
Molecular consequence: frameshift variant. On other transcripts: non-coding transcript variant (1).
Genome position (GRCh38, 1-based): chr19:10,986,504-10,986,529, CGGTGTCCGCAACAGGACCCGGCCCT deleted; deleting any 26 consecutive bases within chr19:10,986,500-10,986,529 gives the same sequence; the c. name uses the placement nearest the transcript's 3' end. VCF-style (leftmost placement, unchanged base first): chr19-10986499-ACCCTCGGTGTCCGCAACAGGACCCGG-A. GRCh37 (hg19) VCF-style: chr19-11097175-ACCCTCGGTGTCCGCAACAGGACCCGG-A.
Other names: c.671_696del, p.Ser224fs (NM_001128844.3, NM_001128845.2, NM_001128846.2 and 5 more transcripts); c.671_696del26, p.Ser224Trpfs (NM_001411150.1); short protein forms S224fs.
Identifiers: ClinVar variation 2086664 (VCV002086664.4), dbSNP rs2514003614, ClinGen allele CA2580096215.
Genomic context (GRCh38, chr19:10,986,499, plus strand): 5'-GGCGGTGCAGGGCAAGCGGCCGATGCCCGGGATGCAGCAGCAGATGCCAACGCTACCTCC[ACCCTCGGTGTCCGCAACAGGACCCGG>A]CCCTGGCCCTGGCCCTGGCCCCGGCCCGGGTCCCGGCCCGGCACCTCCAAATTACAGCAG-3'

ClinVar aggregate classification (germline): Pathogenic (1 of 4 stars; one submission).

Conditions:
Rhabdoid tumor predisposition syndrome 2 (RTPS2). Identifiers: Orphanet 231108, Orphanet 69077, MedGen C2750074, MONDO:0013224, OMIM 613325.

Submission:

Labcorp Genetics (formerly Invitae), Labcorp
Classification: Pathogenic for Rhabdoid tumor predisposition syndrome 2. Last evaluated: 2022-01-17. Review status: criteria provided, single submitter. Criteria: Invitae Variant Classification Sherloc (09022015). Collection method: clinical testing. Allele origin: germline.
Comment: For these reasons, this variant has been classified as Pathogenic. This variant has not been reported in the literature in individuals affected with SMARCA4-related conditions. This variant is not present in population databases (gnomAD no frequency). This sequence change creates a premature translational stop signal (p.Ser224Trpfs*54) in the SMARCA4 gene. It is expected to result in an absent or disrupted protein product. Loss-of-function variants in SMARCA4 are known to be pathogenic (PMID: 24658001, 24658002).

Literature cited by the submitters: PubMed 24658001; PubMed 24658002.